The following is an entry in ClinVar:

ClinVar aggregate classification (germline): Uncertain significance. Review status: criteria provided, multiple submitters, no conflicts (2 of 4 stars). 3 submissions from 3 submitters: Uncertain significance (3). Last evaluated 2026-07-07.

Conditions:
Hereditary cancer-predisposing syndrome. Also called: Tumor predisposition; Hereditary Cancer Syndrome; Hereditary neoplastic syndrome; Neoplastic Syndromes, Hereditary. Identifiers: Orphanet 140162, MedGen C0027672, MeSH D009386, MONDO:0015356.
Tuberous sclerosis 1 (TSC1). Identifiers: Orphanet 805, MedGen C1854465, MONDO:0008612, OMIM 191100.

Submissions (3):

Ambry Genetics
Classification: Uncertain significance for Hereditary cancer-predisposing syndrome. Last evaluated: 2026-07-07. Review status: criteria provided, single submitter. Criteria: Ambry Variant Classification Scheme 2023. Collection method: clinical testing. Allele origin: germline.
Comment: The p.K549Q variant (also known as c.1645A>C), located in coding exon 13 of the TSC1 gene, results from an A to C substitution at nucleotide position 1645. The lysine at codon 549 is replaced by glutamine, an amino acid with similar properties. This amino acid position is conserved. In addition, the in silico prediction for this alteration is inconclusive. Based on the available evidence, the clinical significance of this variant remains unclear.

CeGaT Center for Human Genetics Tuebingen
Classification: Uncertain significance. Last evaluated: 2026-07-01. Review status: criteria provided, single submitter. Criteria: CeGaT Center For Human Genetics Tuebingen Variant Classification Criteria Version 2. Collection method: clinical testing. Allele origin: germline. Affected: yes. Observed: 1 variant allele.
Comment: TSC1: PM2, PP2

Labcorp Genetics (formerly Invitae), Labcorp
Classification: Uncertain significance for Tuberous sclerosis 1. Last evaluated: 2024-05-31. Review status: criteria provided, single submitter. Criteria: Invitae Variant Classification Sherloc (09022015). Collection method: clinical testing. Allele origin: germline.
Comment: This sequence change replaces lysine, which is basic and polar, with glutamine, which is neutral and polar, at codon 549 of the TSC1 protein (p.Lys549Gln). This variant is not present in population databases (gnomAD no frequency). This variant has not been reported in the literature in individuals affected with TSC1-related conditions. Advanced modeling of protein sequence and biophysical properties (such as structural, functional, and spatial information, amino acid conservation, physicochemical variation, residue mobility, and thermodynamic stability) performed at Invitae indicates that this missense variant is not expected to disrupt TSC1 protein function with a negative predictive value of 95%. In summary, the available evidence is currently insufficient to determine the role of this variant in disease. Therefore, it has been classified as a Variant of Uncertain Significance.

NM_000368.5(TSC1):c.1645A>C (p.Lys549Gln)

Gene: TSC1 (TSC complex subunit 1; minus strand). Cytogenetic location: 9q34.13.
Variant type: single nucleotide variant.
Coding change: c.1645A>C on transcript NM_000368.5 (MANE Select); coding-DNA position 1645, A replaced by C.
Protein change: p.Lys549Gln; replaces lysine 549 with glutamine.
Molecular consequence: missense variant. On other transcripts: non-coding transcript variant (5).
Genome position (GRCh38, 1-based): chr9:132,905,933, T>G on the plus strand (A>C on the coding strand, the complement: TSC1 is on the minus strand). VCF-style: chr9-132905933-T-G. GRCh37 (hg19) VCF-style: chr9-135781320-T-G.
Other names: c.691A>C, p.Lys231Gln (NM_001406627.1, NM_001406628.1); c.592A>C, p.Lys198Gln (NM_001406629.1, NM_001406630.1); c.1642A>C, p.Lys548Gln (NM_001406598.1, NM_001406599.1, NM_001406600.1 and 6 more transcripts); c.1645A>C, p.Lys549Gln (NM_001406601.1, NM_001406602.1, NM_001406605.1 and 7 more transcripts); c.1492A>C, p.Lys498Gln (NM_001162427.2, NM_001406610.1); c.1282A>C, p.Lys428Gln (NM_001362177.2, NM_001406617.1, NM_001406618.1 and 5 more transcripts); c.1279A>C, p.Lys427Gln (NM_001406620.1, NM_001406621.1, NM_001406622.1 and 2 more transcripts); c.694A>C, p.Lys232Gln (NM_001406626.1); and 1 more; short protein forms K498Q, K232Q, K427Q, K428Q, K549Q, K198Q, K231Q, K497Q.
Identifiers: ClinVar variation 3651793 (VCV003651793.4).